The following is an entry in ClinVar:

ClinVar aggregate classification (germline): Benign (1 of 4 stars; one submission).

Allele frequency attached by ClinVar (database versions not stated): 1000 Genomes Project 30x 0.29934; gnomAD 0.30146 and 0.30776; 1000 Genomes Project 0.30611; TOPMed 0.31239.
gnomAD v4.1: 46,784 of 151,982 alleles (31%); highest among the groups gnomAD compares: Admixed American, 52%; 8,648 homozygotes.

Submission:

GeneDx
Classification: Benign. Last evaluated: 2018-06-14. Review status: criteria provided, single submitter. Criteria: GeneDx Variant Classification (06012015). Collection method: clinical testing. Allele origin: germline. Affected: yes.
Comment: This variant is considered likely benign or benign based on one or more of the following criteria: it is a conservative change, it occurs at a poorly conserved position in the protein, it is predicted to be benign by multiple in silico algorithms, and/or has population frequency not consistent with disease.

NM_032861.4(SERAC1):c.1308+233T>C

Gene: SERAC1 (serine active site containing 1; minus strand). Cytogenetic location: 6q25.3.
Variant type: single nucleotide variant.
Coding change: c.1308+233T>C on transcript NM_032861.4 (MANE Select); 233 bases into the intron after coding-DNA position 1308, T replaced by C.
Molecular consequence: intron variant.
Genome position (GRCh38, 1-based): chr6:158,118,796, A>G on the plus strand (T>C on the coding strand, the complement: SERAC1 is on the minus strand). VCF-style: chr6-158118796-A-G. GRCh37 (hg19) VCF-style: chr6-158539828-A-G.
Identifiers: ClinVar variation 680781 (VCV000680781.1), dbSNP rs9356376, ClinGen allele CA150918989.